The following is an entry in ClinVar:

ClinVar aggregate classification (germline): Uncertain significance. Review status: criteria provided, multiple submitters, no conflicts (2 of 4 stars). 4 submissions from 4 submitters: Uncertain significance (4). Last evaluated 2026-01-12.

Conditions:
Autoinflammatory syndrome. Identifiers: Orphanet 93665, MedGen C3890737, MONDO:0019751.
Griscelli syndrome type 2 (GS2). Also called: GRISCELLI SYNDROME WITH HEMOPHAGOCYTIC SYNDROME; PAID SYNDROME; PARTIAL ALBINISM AND IMMUNODEFICIENCY SYNDROME. Identifiers: Orphanet 381, Orphanet 79477, MedGen C1868679, MONDO:0011872, OMIM 607624.

Allele frequency attached by ClinVar (database versions not stated): gnomAD 0.00014 and 0.00016; TOPMed 0.00014; gnomAD exomes 0.00015; 1000 Genomes Project 30x 0.00016; 1000 Genomes Project 0.00020; ESP Exome Variant Server 0.00023; ExAC 0.00013.
gnomAD v4.1: 228 of 1,614,000 alleles (0.014%); highest among the groups gnomAD compares: Admixed American, 0.032%; no homozygotes.

Submissions (4):

Labcorp Genetics (formerly Invitae), Labcorp
Classification: Uncertain significance for Griscelli syndrome type 2. Last evaluated: 2026-01-12. Review status: criteria provided, single submitter. Criteria: Invitae Variant Classification Sherloc (09022015). Collection method: clinical testing. Allele origin: germline.
Comment: This sequence change replaces arginine, which is basic and polar, with tryptophan, which is neutral and slightly polar, at codon 187 of the RAB27A protein (p.Arg187Trp). This variant is present in population databases (rs144946000, gnomAD 0.05%). This missense change has been observed in individual(s) with hemophagocytic lymphohistiocytosis (PMID: 29522846, 32638196). ClinVar contains an entry for this variant (Variation ID: 665092). An algorithm developed to predict the effect of missense changes on protein structure and function (PolyPhen-2) suggests that this variant is likely to be disruptive. In summary, the available evidence is currently insufficient to determine the role of this variant in disease. Therefore, it has been classified as a Variant of Uncertain Significance.

Blueprint Genetics
Classification: Uncertain significance. Last evaluated: 2024-11-26. Review status: criteria provided, single submitter. Criteria: ACMG Guidelines, 2015. Collection method: clinical testing. Allele origin: germline.

Genome Diagnostics Laboratory, The Hospital for Sick Children
Classification: Uncertain significance for Autoinflammatory syndrome. Last evaluated: 2019-05-01. Review status: criteria provided, single submitter. Criteria: ACMG Guidelines, 2015. Collection method: clinical testing. Allele origin: germline. Affected: yes.

Illumina Laboratory Services, Illumina
Classification: Uncertain significance for Griscelli syndrome type 2. Last evaluated: 2017-04-28. Review status: criteria provided, single submitter. Criteria: ICSL Variant Classification Criteria 13 December 2019. Collection method: clinical testing. Allele origin: germline.

Literature cited by the submitters: PubMed 29522846 (cited by Labcorp Genetics (formerly Invitae), Labcorp); PubMed 32638196 (cited by Labcorp Genetics (formerly Invitae), Labcorp).

NM_183235.3(RAB27A):c.559C>T (p.Arg187Trp)

Gene: RAB27A (RAB27A, member RAS oncogene family; minus strand). Cytogenetic location: 15q21.3.
Variant type: single nucleotide variant.
Coding change: c.559C>T on transcript NM_183235.3 (MANE Select); coding-DNA position 559, C replaced by T.
Protein change: p.Arg187Trp; replaces arginine 187 with tryptophan.
Molecular consequence: missense variant.
Genome position (GRCh38, 1-based): chr15:55,205,614, G>A on the plus strand (C>T on the coding strand, the complement: RAB27A is on the minus strand). VCF-style: chr15-55205614-G-A. GRCh37 (hg19) VCF-style: chr15-55497812-G-A.
Other names: c.559C>T, p.Arg187Trp (NM_004580.5, NM_183234.3, NM_183236.3); short protein forms R187W.
Identifiers: ClinVar variation 665092 (VCV000665092.15), dbSNP rs144946000, ClinGen allele CA7573531.